The following is an entry in ClinVar:

NM_006267.5(RANBP2):c.2992A>G (p.Thr998Ala)

Gene: RANBP2 (RAN binding protein 2; plus strand). Cytogenetic location: 2q13.
Variant type: single nucleotide variant.
Coding change: c.2992A>G on transcript NM_006267.5 (MANE Select); coding-DNA position 2992, A replaced by G.
Protein change: p.Thr998Ala; replaces threonine 998 with alanine.
Molecular consequence: missense variant.
Genome position (GRCh38, 1-based): chr2:108,763,531, A>G. VCF-style: chr2-108763531-A-G. GRCh37 (hg19) VCF-style: chr2-109379987-A-G.
Other names: c.2992A>G (NM_006267.4); short protein forms T998A.
Identifiers: ClinVar variation 1009587 (VCV001009587.9), dbSNP rs199597217, ClinGen allele CA1822851.

ClinVar aggregate classification (germline): Uncertain significance. Review status: criteria provided, multiple submitters, no conflicts (2 of 4 stars). 2 submissions from 2 submitters: Uncertain significance (2). Last evaluated 2024-12-14.

Conditions:
Familial acute necrotizing encephalopathy (IIAE3). Also called: ENCEPHALOPATHY, ACUTE, INFECTION-INDUCED, SUSCEPTIBILITY TO, 3; Susceptibility to Acute Necrotizing Encephalopathy 1. Identifiers: Orphanet 88619, MedGen C2675556, MONDO:0011953, OMIM 608033.

Allele frequency attached by ClinVar (database versions not stated): gnomAD 0.00007; gnomAD exomes 0.00009 and 0.00014; TOPMed 0.00011; ExAC 0.00014; ESP Exome Variant Server 0.00023.
gnomAD v4.1: 223 of 1,613,996 alleles (0.014%); highest among the groups gnomAD compares: Non-Finnish European, 0.018%; no homozygotes.

Submissions (2):

Ambry Genetics
Classification: Uncertain significance. Last evaluated: 2024-12-14. Review status: criteria provided, single submitter. Criteria: Ambry Variant Classification Scheme 2023. Collection method: clinical testing. Allele origin: germline.

Labcorp Genetics (formerly Invitae), Labcorp
Classification: Uncertain significance for Familial acute necrotizing encephalopathy. Last evaluated: 2020-11-16. Review status: criteria provided, single submitter. Criteria: Invitae Variant Classification Sherloc (09022015). Collection method: clinical testing. Allele origin: germline.
Comment: In summary, the available evidence is currently insufficient to determine the role of this variant in disease. Therefore, it has been classified as a Variant of Uncertain Significance. Algorithms developed to predict the effect of missense changes on protein structure and function output the following: SIFT: "Tolerated"; PolyPhen-2: "Benign"; Align-GVGD: "Class C0". The alanine amino acid residue is found in multiple mammalian species, suggesting that this missense change does not adversely affect protein function. These predictions have not been confirmed by published functional studies and their clinical significance is uncertain. This variant has not been reported in the literature in individuals with RANBP2-related conditions. This variant is present in population databases (rs199597217, ExAC 0.02%), and has an allele count higher than expected for a pathogenic variant (PMID: 28166811). This sequence change replaces threonine with alanine at codon 998 of the RANBP2 protein (p.Thr998Ala). The threonine residue is weakly conserved and there is a small physicochemical difference between threonine and alanine.

Literature cited by the submitters: PubMed 28166811 (cited by Labcorp Genetics (formerly Invitae), Labcorp).